The following is an entry in ClinVar:

NM_003719.5(PDE8B):c.193G>C (p.Ala65Pro)

Gene: PDE8B (phosphodiesterase 8B; plus strand). Cytogenetic location: 5q13.3.
Variant type: single nucleotide variant.
Coding change: c.193G>C on transcript NM_003719.5 (MANE Select); coding-DNA position 193, G replaced by C.
Protein change: p.Ala65Pro; replaces alanine 65 with proline.
Molecular consequence: missense variant. On other transcripts: 5 prime UTR variant (1), intron variant (13).
Genome position (GRCh38, 1-based): chr5:77,211,118, G>C. VCF-style: chr5-77211118-G-C. GRCh37 (hg19) VCF-style: chr5-76506943-G-C.
Other names: c.193G>C, p.Ala65Pro (NM_001029851.4, NM_001029852.4, NM_001029853.4 and 7 more transcripts); c.-177G>C (NM_001349753.2); c.36+30632G>C (NM_001349750.3, NM_001376069.1, NM_001376062.1 and 7 more transcripts); c.-34+1072G>C (NM_001376067.1, NM_001376075.1); c.-31+1072G>C (NM_001376068.1); c.193G>C (NM_003719.3); short protein forms A65P.
Identifiers: ClinVar variation 1517092 (VCV001517092.7), dbSNP rs980063460, ClinGen allele CA121449142.

ClinVar aggregate classification (germline): Uncertain significance. Review status: criteria provided, multiple submitters, no conflicts (2 of 4 stars). 2 submissions from 2 submitters: Uncertain significance (2). Last evaluated 2025-12-03.

Conditions:
Inborn genetic diseases. Identifiers: MedGen C0950123, MeSH D030342.

Allele frequency attached by ClinVar (database versions not stated): gnomAD exomes 0.00002; TOPMed 0.00003.
gnomAD v4.1: 28 of 1,504,184 alleles (0.0019%); highest among the groups gnomAD compares: Non-Finnish European, 0.0024%; no homozygotes.

Submissions (2):

Labcorp Genetics (formerly Invitae), Labcorp
Classification: Uncertain significance. Last evaluated: 2025-12-03. Review status: criteria provided, single submitter. Criteria: Invitae Variant Classification Sherloc (09022015). Collection method: clinical testing. Allele origin: germline.
Comment: This sequence change replaces alanine, which is neutral and non-polar, with proline, which is neutral and non-polar, at codon 65 of the PDE8B protein (p.Ala65Pro). This variant is present in population databases (no rsID available, gnomAD 0.005%). This variant has not been reported in the literature in individuals affected with PDE8B-related conditions. ClinVar contains an entry for this variant (Variation ID: 1517092). An algorithm developed to predict the effect of missense changes on protein structure and function (PolyPhen-2) suggests that this variant is likely to be tolerated. In summary, the available evidence is currently insufficient to determine the role of this variant in disease. Therefore, it has been classified as a Variant of Uncertain Significance.

Ambry Genetics
Classification: Uncertain significance for Inborn genetic diseases. Last evaluated: 2024-07-10. Review status: criteria provided, single submitter. Criteria: Ambry Variant Classification Scheme 2023. Collection method: clinical testing. Allele origin: germline.